The following is an entry in ClinVar:

NM_000218.3(KCNQ1):c.1394-3227T>C

Genes: KCNQ1 (potassium voltage-gated channel subfamily Q member 1; plus strand), KCNQ1OT1 (KCNQ1 opposite strand/antisense transcript 1; minus strand). Cytogenetic location: 11p15.5.
Variant type: single nucleotide variant.
Coding change: c.1394-3227T>C on transcript NM_000218.3 (MANE Select); 3227 bases into the intron before coding-DNA position 1394, T replaced by C.
Molecular consequence: intron variant. On other transcripts: non-coding transcript variant (1).
Genome position (GRCh38, 1-based): chr11:2,658,734, T>C. VCF-style: chr11-2658734-T-C. GRCh37 (hg19) VCF-style: chr11-2679964-T-C.
Other names: c.1124-3227T>C (NM_001406837.1); c.1298-3227T>C (NM_001406836.1); c.854-3227T>C (NM_001406838.1); c.1013-3227T>C (NM_181798.2).
Identifiers: ClinVar variation 3234560 (VCV003234560.20), dbSNP rs899929474, ClinGen allele CA216168268.

ClinVar aggregate classification (germline): Likely benign (1 of 4 stars; one submission).

Allele frequency attached by ClinVar (database versions not stated): gnomAD 0.00013; TOPMed 0.00016; gnomAD exomes 0.00026.
gnomAD v4.1: 84 of 398,498 alleles (0.021%); highest among the groups gnomAD compares: Non-Finnish European, 0.0035%; 1 homozygote.

Submission:

CeGaT Center for Human Genetics Tuebingen
Classification: Likely benign. Last evaluated: 2026-01-01. Review status: criteria provided, single submitter. Criteria: CeGaT Center For Human Genetics Tuebingen Variant Classification Criteria Version 2. Collection method: clinical testing. Allele origin: germline. Affected: yes. Observed: 4 variant alleles.
Comment: KCNQ1OT1: BS1